The following is an entry in ClinVar:

NM_001142864.4(PIEZO1):c.634+9C>A

Genes: HSALR1 (HSP90AB1 associated lncRNA 1; plus strand), PIEZO1 (piezo type mechanosensitive ion channel component 1 (Er blood group); minus strand). Cytogenetic location: 16q24.3.
Variant type: single nucleotide variant.
Coding change: c.634+9C>A on transcript NM_001142864.4 (MANE Select); 9 bases into the intron after coding-DNA position 634, C replaced by A.
Molecular consequence: intron variant. On other transcripts: non-coding transcript variant (1).
Genome position (GRCh38, 1-based): chr16:88,738,559, G>T on the plus strand (C>A on the coding strand, the complement: PIEZO1 is on the minus strand). VCF-style: chr16-88738559-G-T. GRCh37 (hg19) VCF-style: chr16-88804967-G-T.
Identifiers: ClinVar variation 4999709 (VCV004999709.1).

ClinVar aggregate classification (germline): Likely benign (1 of 4 stars; one submission).

Conditions:
PIEZO1-related disorder. Also called: PIEZO1-related condition; PIEZO1-Related Disorders.

gnomAD v4.1: 1 of 1,532,316 alleles (0.000065%); highest among the groups gnomAD compares: Non-Finnish European, 0.000087%; no homozygotes.

Submission:

PreventionGenetics, part of Exact Sciences
Classification: Likely benign for PIEZO1-related condition. Last evaluated: 2025-03-19. Review status: criteria provided, single submitter. Criteria: ACMG Guidelines, 2015. Collection method: clinical testing. Allele origin: germline.
Comment: This variant is classified as likely benign based on ACMG/AMP sequence variant interpretation guidelines (Richards et al. 2015 PMID: 25741868, with internal and published modifications).